The following is an entry in ClinVar:

NM_000540.3(RYR1):c.2732G>A (p.Ser911Asn)

Gene: RYR1 (ryanodine receptor 1; plus strand). Cytogenetic location: 19q13.2.
Variant type: single nucleotide variant.
Coding change: c.2732G>A on transcript NM_000540.3 (MANE Select); coding-DNA position 2732, G replaced by A.
Protein change: p.Ser911Asn; replaces serine 911 with asparagine.
Molecular consequence: missense variant.
Genome position (GRCh38, 1-based): chr19:38,463,796, G>A. VCF-style: chr19-38463796-G-A. GRCh37 (hg19) VCF-style: chr19-38954436-G-A.
Other names: c.2732G>A, p.Ser911Asn (NM_001042723.2); short protein forms S911N.
Identifiers: ClinVar variation 4756991 (VCV004756991.1).

ClinVar aggregate classification (germline): Uncertain significance (1 of 4 stars; one submission).

Conditions:
Malignant hyperthermia, susceptibility to, 1 (MHS1). Also called: RYR1-Related Malignant Hyperthermia Susceptibility; Malignant hyperthermia suceptibility 1; Anesthesia related hyperthermia; Malignant hyperpyrexia; Fulminating hyperpyrexia; Pharmacogenic myopathy. Identifiers: Orphanet 423, MedGen C2930980, MONDO:0007783, OMIM 145600.

gnomAD v4.1: 2 of 1,614,120 alleles (0.00012%); highest among the groups gnomAD compares: Non-Finnish European, 0.00017%; no homozygotes.

Submission:

Color Diagnostics, LLC DBA Color Health
Classification: Uncertain significance for Malignant hyperthermia, susceptibility to, 1. Last evaluated: 2025-06-23. Review status: criteria provided, single submitter. Criteria: ACMG Guidelines, 2015. Collection method: clinical testing. Allele origin: germline.
Comment: This missense variant replaces serine with asparagine at codon 911 of the RYR1 protein. Computational prediction suggests that this variant may not impact protein structure and function. To our knowledge, functional studies have not been reported for this variant. This variant has not been reported in individuals affected with RYR1-related disorders in the literature. This variant has not been identified in the general population by the Genome Aggregation Database (gnomAD). The available evidence is insufficient to determine the role of this variant in disease conclusively. Therefore, this variant is classified as a Variant of Uncertain Significance.